The following is an entry in ClinVar:

NM_000368.5(TSC1):c.2626-3_2626-2insTTA

Gene: TSC1 (TSC complex subunit 1; minus strand). Cytogenetic location: 9q34.13.
Variant type: Insertion.
Coding change: c.2626-3_2626-2insTTA on transcript NM_000368.5 (MANE Select); 3 bases into the intron before coding-DNA position 2626 through the canonical splice acceptor site of the intron before coding-DNA position 2626, TTA inserted.
Molecular consequence: intron variant.
Genome position: GRCh38 VCF-style: chr9-132897612-T-TTAA. GRCh37 (hg19) VCF-style: chr9-135772999-T-TTAA.
Other names: c.2260-3_2260-2insTTA (NM_001406620.1, NM_001406621.1, NM_001406622.1 and 1 more transcripts); c.2263-3_2263-2insTTA (NM_001406618.1, NM_001406617.1, NM_001406619.1 and 4 more transcripts); c.2218-3_2218-2insTTA (NM_001406625.1); c.2428-3_2428-2insTTA (NM_001406613.1); c.2470-3_2470-2insTTA (NM_001406612.1, NM_001406611.1); c.2473-3_2473-2insTTA (NM_001406610.1, NM_001162427.2); c.1672-3_1672-2insTTA (NM_001406627.1, NM_001406628.1); c.1573-3_1573-2insTTA (NM_001406629.1, NM_001406630.1); and 8 more.
Identifiers: ClinVar variation 3057832 (VCV003057832.2), dbSNP rs760737807, ClinGen allele CA2579494090.

ClinVar aggregate classification (germline): Likely benign (0 of 4 stars; one submission).

Conditions:
TSC1-related disorder. Also called: TSC1-related condition.

Submission:

PreventionGenetics, part of Exact Sciences
Classification: Likely benign for TSC1-related condition. Last evaluated: 2023-07-10. Review status: no assertion criteria provided. Collection method: clinical testing. Allele origin: germline.
Comment: This variant is classified as likely benign based on ACMG/AMP sequence variant interpretation guidelines (Richards et al. 2015 PMID: 25741868, with internal and published modifications).